The following is an entry in ClinVar:

NM_001737.5(C9):c.415C>T (p.Arg139Cys)

Gene: C9 (complement C9; minus strand). Cytogenetic location: 5p13.1.
Variant type: single nucleotide variant.
Coding change: c.415C>T on transcript NM_001737.5 (MANE Select); coding-DNA position 415, C replaced by T.
Protein change: p.Arg139Cys; replaces arginine 139 with cysteine.
Molecular consequence: missense variant.
Genome position (GRCh38, 1-based): chr5:39,341,207, G>A on the plus strand (C>T on the coding strand, the complement: C9 is on the minus strand). VCF-style: chr5-39341207-G-A. GRCh37 (hg19) VCF-style: chr5-39341309-G-A.
Other names: short protein forms R139C.
Identifiers: ClinVar variation 1441292 (VCV001441292.5), dbSNP rs200646202, ClinGen allele CA3247021.
Genomic context (GRCh38, chr5:39,341,207, plus strand): 5'-CATAGCCTGCTGTTCGTGCCAGCTCAGACTCTTCTACCACTCTGTCTCTGCAGGGGGGAC[G>A]GGGCTCACTTTCACAATCATCCTCATCTGAAAAGTCTCCGCAGTCATTGTCACCATTACA-3'
Protein context (NP_001728.1, residues 129-149): SDEDDCESEP[Arg139Cys]PPCRDRVVEE

ClinVar aggregate classification (germline): Uncertain significance (1 of 4 stars; one submission).

Allele frequency attached by ClinVar (database versions not stated): gnomAD 0.00001 and 0.00002; TOPMed 0.00004; gnomAD exomes 0.00007 and 0.00013; ExAC 0.00013; 1000 Genomes Project 0.00020; 1000 Genomes Project 30x 0.00031.
gnomAD v4.1: 101 of 1,614,120 alleles (0.0063%); highest among the groups gnomAD compares: Admixed American, 0.047%; no homozygotes.

Submission:

Labcorp Genetics (formerly Invitae), Labcorp
Classification: Uncertain significance. Last evaluated: 2025-11-10. Review status: criteria provided, single submitter. Criteria: Invitae Variant Classification Sherloc (09022015). Collection method: clinical testing. Allele origin: germline.
Comment: This sequence change replaces arginine, which is basic and polar, with cysteine, which is neutral and slightly polar, at codon 139 of the C9 protein (p.Arg139Cys). This variant is present in population databases (rs200646202, gnomAD 0.07%). This variant has not been reported in the literature in individuals affected with C9-related conditions. ClinVar contains an entry for this variant (Variation ID: 1441292). Invitae Evidence Modeling of protein sequence and biophysical properties (such as structural, functional, and spatial information, amino acid conservation, physicochemical variation, residue mobility, and thermodynamic stability) indicates that this missense variant is expected to disrupt C9 protein function with a positive predictive value of 80%. In summary, the available evidence is currently insufficient to determine the role of this variant in disease. Therefore, it has been classified as a Variant of Uncertain Significance.